The following is an entry in ClinVar:

NM_024426.6(WT1):c.1367T>A (p.Phe456Tyr)

Gene: WT1 (WT1 transcription factor; minus strand). Cytogenetic location: 11p13.
Variant type: single nucleotide variant.
Coding change: c.1367T>A on transcript NM_024426.6 (MANE Select); coding-DNA position 1367, T replaced by A.
Protein change: p.Phe456Tyr; replaces phenylalanine 456 with tyrosine.
Molecular consequence: missense variant. On other transcripts: non-coding transcript variant (2), intron variant (2).
Genome position (GRCh38, 1-based): chr11:32,392,052, A>T on the plus strand (T>A on the coding strand, the complement: WT1 is on the minus strand). VCF-style: chr11-32392052-A-T. GRCh37 (hg19) VCF-style: chr11-32413598-A-T.
Other names: c.1316T>A, p.Phe439Tyr (NM_000378.6, NM_001407045.1); c.716T>A, p.Phe239Tyr (NM_001198551.2); c.665T>A, p.Phe222Tyr (NM_001198552.2); c.179T>A, p.Phe60Tyr (NM_001367854.1); c.1361T>A, p.Phe454Tyr (NM_001407044.1); c.1244T>A, p.Phe415Tyr (NM_001407047.1); c.1226T>A, p.Phe409Tyr (NM_001407048.1); c.1193T>A, p.Phe398Tyr (NM_001407050.1); and 6 more; short protein forms F202Y, F239Y, F454Y, F456Y, F409Y, F451Y, F222Y, F383Y.
Identifiers: ClinVar variation 5032045 (VCV005032045.1).

ClinVar aggregate classification (germline): Uncertain significance (1 of 4 stars; one submission).

Conditions:
Inborn genetic diseases. Identifiers: MedGen C0950123, MeSH D030342.

Submission:

Ambry Genetics
Classification: Uncertain significance for Inborn genetic diseases. Last evaluated: 2026-07-12. Review status: criteria provided, single submitter. Criteria: Ambry Variant Classification Scheme 2023. Collection method: clinical testing. Allele origin: germline.
Comment: The p.F451Y variant (also known as c.1352T>A), located in coding exon 9 of the WT1 gene, results from a T to A substitution at nucleotide position 1352. The phenylalanine at codon 451 is replaced by tyrosine, an amino acid with highly similar properties. This amino acid position is conserved. In addition, the in silico prediction for this alteration is inconclusive. Based on the available evidence, the clinical significance of this variant remains unclear.